The following is an entry in ClinVar:

ClinVar aggregate classification (germline): Likely benign (1 of 4 stars; one submission).

Allele frequency attached by ClinVar (database versions not stated): 1000 Genomes Project 30x 0.00172; TOPMed 0.00410; gnomAD 0.00421.
gnomAD v4.1: 6,371 of 996,240 alleles (0.64%); highest among the groups gnomAD compares: South Asian, 0.96%; 29 homozygotes.

Submission:

CeGaT Center for Human Genetics Tuebingen
Classification: Likely benign. Last evaluated: 2023-03-01. Review status: criteria provided, single submitter. Criteria: CeGaT Center For Human Genetics Tuebingen Variant Classification Criteria Version 2. Collection method: clinical testing. Allele origin: germline. Affected: yes. Observed: 2 variant alleles.
Comment: ECPAS: BS2

NM_001364929.1(ECPAS):c.-83+130A>C

Genes: ECPAS (Ecm29 proteasome adaptor and scaffold; minus strand), LOC130002357 (ATAC-STARR-seq lymphoblastoid silent region 20179; plus strand). Cytogenetic location: 9q31.3.
Variant type: single nucleotide variant.
Coding change: c.-83+130A>C on transcript NM_001364929.1 (MANE Select); 130 bases into the intron after 83 bases upstream of the start codon, A replaced by C.
Molecular consequence: intron variant.
Genome position (GRCh38, 1-based): chr9:111,483,986, T>G on the plus strand (A>C on the coding strand, the complement: ECPAS is on the minus strand). VCF-style: chr9-111483986-T-G. GRCh37 (hg19) VCF-style: chr9-114246266-T-G.
Other names: c.22+130A>C (NM_001363756.2).
Identifiers: ClinVar variation 2659428 (VCV002659428.24), dbSNP rs865815795, ClinGen allele CA198377512.